The following is an entry in ClinVar:

NM_176787.5(PIGN):c.670T>G (p.Ser224Ala)

Gene: PIGN (phosphatidylinositol glycan anchor biosynthesis class N; minus strand). Cytogenetic location: 18q21.33.
Variant type: single nucleotide variant.
Coding change: c.670T>G on transcript NM_176787.5 (MANE Select); coding-DNA position 670, T replaced by G.
Protein change: p.Ser224Ala; replaces serine 224 with alanine.
Molecular consequence: missense variant.
Genome position (GRCh38, 1-based): chr18:62,148,218, A>C on the plus strand (T>G on the coding strand, the complement: PIGN is on the minus strand). VCF-style: chr18-62148218-A-C. GRCh37 (hg19) VCF-style: chr18-59815451-A-C.
Other names: c.670T>G, p.Ser224Ala (NM_012327.6); short protein forms S224A.
Identifiers: ClinVar variation 2156467 (VCV002156467.4), dbSNP rs2036405596, ClinGen allele CA402601941.

ClinVar aggregate classification (germline): Uncertain significance (1 of 4 stars; one submission).

Conditions:
Multiple congenital anomalies-hypotonia-seizures syndrome 1 (MCAHS1). Also called: Congenital disorder of glycosylation due to PIGN deficiency; GLYCOSYLPHOSPHATIDYLINOSITOL BIOSYNTHESIS DEFECT 3; PIGN-CDG. Identifiers: Orphanet 280633, MedGen C3279775, MONDO:0013563, OMIM 614080.

Submission:

Labcorp Genetics (formerly Invitae), Labcorp
Classification: Uncertain significance for Multiple congenital anomalies-hypotonia-seizures syndrome 1. Last evaluated: 2024-01-22. Review status: criteria provided, single submitter. Criteria: Invitae Variant Classification Sherloc (09022015). Collection method: clinical testing. Allele origin: germline.
Comment: This sequence change replaces serine, which is neutral and polar, with alanine, which is neutral and non-polar, at codon 224 of the PIGN protein (p.Ser224Ala). This variant is not present in population databases (gnomAD no frequency). This variant has not been reported in the literature in individuals affected with PIGN-related conditions. ClinVar contains an entry for this variant (Variation ID: 2156467). Advanced modeling of protein sequence and biophysical properties (such as structural, functional, and spatial information, amino acid conservation, physicochemical variation, residue mobility, and thermodynamic stability) performed at Invitae indicates that this missense variant is expected to disrupt PIGN protein function with a positive predictive value of 80%. In summary, the available evidence is currently insufficient to determine the role of this variant in disease. Therefore, it has been classified as a Variant of Uncertain Significance.